The following is an entry in ClinVar:

NM_014946.4(SPAST):c.1536G>T (p.Glu512Asp)

Gene: SPAST (spastin; plus strand). Cytogenetic location: 2p22.3.
Variant type: single nucleotide variant.
Coding change: c.1536G>T on transcript NM_014946.4 (MANE Select); coding-DNA position 1536, G replaced by T.
Protein change: p.Glu512Asp; replaces glutamic acid 512 with aspartic acid.
Molecular consequence: missense variant.
Genome position (GRCh38, 1-based): chr2:32,141,946, G>T. VCF-style: chr2-32141946-G-T. GRCh37 (hg19) VCF-style: chr2-32367015-G-T.
Other names: c.1533G>T, p.Glu511Asp (NM_001363823.2); c.1437G>T, p.Glu479Asp (NM_001363875.2); c.1440G>T, p.Glu480Asp (NM_001377959.1, NM_199436.2); short protein forms E479D, E480D, E511D, E512D.
Identifiers: ClinVar variation 1344054 (VCV001344054.6), dbSNP rs1553319093, ClinGen allele CA346503021.

ClinVar aggregate classification (germline): Pathogenic/Likely pathogenic. Review status: criteria provided, multiple submitters, no conflicts (2 of 4 stars). 3 submissions from 3 submitters: Pathogenic (2); Likely pathogenic (1). Last evaluated 2024-03-05.

Conditions:
Hereditary spastic paraplegia. Also called: Familial spastic paraparesis. Identifiers: Orphanet 685, MedGen C0037773, MONDO:0019064. Disease mechanism: loss of function.
Hereditary spastic paraplegia 4. Also called: Familial spastic paraplegia autosomal dominant 2; Spastic Paraplegia 4; Spastic paraplegia 4, autosomal dominant. Identifiers: Orphanet 100985, MedGen C1866855, MONDO:0008438, OMIM 182601.

Submissions (3):

Labcorp Genetics (formerly Invitae), Labcorp
Classification: Pathogenic for Hereditary spastic paraplegia 4. Last evaluated: 2024-03-05. Review status: criteria provided, single submitter. Criteria: Invitae Variant Classification Sherloc (09022015). Collection method: clinical testing. Allele origin: germline.
Comment: This sequence change replaces glutamic acid, which is acidic and polar, with aspartic acid, which is acidic and polar, at codon 512 of the SPAST protein (p.Glu512Asp). This variant also falls at the last nucleotide of exon 13, which is part of the consensus splice site for this exon. This variant is not present in population databases (gnomAD no frequency). This missense change has been observed in individuals with hereditary spastic paraplegia (PMID: 11985387, 26374131, 29980238). It has also been observed to segregate with disease in related individuals. ClinVar contains an entry for this variant (Variation ID: 1344054). An algorithm developed to predict the effect of missense changes on protein structure and function (PolyPhen-2) suggests that this variant is likely to be tolerated. Variants that disrupt the consensus splice site are a relatively common cause of aberrant splicing (PMID: 17576681, 9536098). Algorithms developed to predict the effect of sequence changes on RNA splicing suggest that this variant may disrupt the consensus splice site. For these reasons, this variant has been classified as Pathogenic.

Fulgent Genetics
Classification: Likely pathogenic for Hereditary spastic paraplegia 4. Last evaluated: 2021-07-23. Review status: criteria provided, single submitter. Criteria: ACMG Guidelines, 2015. Collection method: clinical testing. Allele origin: unknown.

Genome Diagnostics Laboratory, The Hospital for Sick Children
Classification: Pathogenic for Hereditary spastic paraplegia. Last evaluated: 2016-12-12. Review status: criteria provided, single submitter. Criteria: ACMG Guidelines, 2015. Collection method: clinical testing. Allele origin: germline. Affected: yes.

Literature cited by the submitters: PubMed 11985387 (cited by Labcorp Genetics (formerly Invitae), Labcorp); PubMed 26374131 (cited by Labcorp Genetics (formerly Invitae), Labcorp); PubMed 29980238 (cited by Labcorp Genetics (formerly Invitae), Labcorp); PubMed 17576681 (cited by Labcorp Genetics (formerly Invitae), Labcorp); PubMed 9536098 (cited by Labcorp Genetics (formerly Invitae), Labcorp).